The following is an entry in ClinVar:

NM_002692.4(POLE2):c.221G>A (p.Cys74Tyr)

Gene: POLE2 (DNA polymerase epsilon 2, accessory subunit; minus strand). Cytogenetic location: 14q21.3.
Variant type: single nucleotide variant.
Coding change: c.221G>A on transcript NM_002692.4 (MANE Select); coding-DNA position 221, G replaced by A.
Protein change: p.Cys74Tyr; replaces cysteine 74 with tyrosine.
Molecular consequence: missense variant. On other transcripts: 5 prime UTR variant (1).
Genome position (GRCh38, 1-based): chr14:49,679,749, C>T on the plus strand (G>A on the coding strand, the complement: POLE2 is on the minus strand). VCF-style: chr14-49679749-C-T. GRCh37 (hg19) VCF-style: chr14-50146467-C-T.
Other names: c.221G>A, p.Cys74Tyr (NM_001197330.2, NM_001197331.3, NM_001348384.2); c.-15G>A (NM_001348385.2); short protein forms C74Y.
Identifiers: ClinVar variation 2985765 (VCV002985765.3), dbSNP rs758265986, ClinGen allele CA260661475.
Genomic context (GRCh38, chr14:49,679,749, plus strand): 5'-CTCCAAGGAGGAAAAAAGTTAACTGTACCCACATACATAGTTTCATCAACAGACTGACTG[C>T]ATTCCTGGACTGCTGCTTCCACCACAGATCGTTCAATCATGTTTGATGACACTGAAAAGA-3'
Protein context (NP_002683.2, residues 64-84): RSVVEAAVQE[Cys74Tyr]SQSVDETIEH

ClinVar aggregate classification (germline): Uncertain significance (1 of 4 stars; one submission).

Allele frequency attached by ClinVar (database versions not stated): TOPMed below 0.00001; gnomAD 0.00002.
gnomAD v4.1: 6 of 1,602,216 alleles (0.00037%); highest among the groups gnomAD compares: Admixed American, 0.0033%; no homozygotes.

Submission:

Labcorp Genetics (formerly Invitae), Labcorp
Classification: Uncertain significance. Last evaluated: 2025-04-10. Review status: criteria provided, single submitter. Criteria: Invitae Variant Classification Sherloc (09022015). Collection method: clinical testing. Allele origin: germline.
Comment: This sequence change replaces cysteine, which is neutral and slightly polar, with tyrosine, which is neutral and polar, at codon 74 of the POLE2 protein (p.Cys74Tyr). This variant is present in population databases (rs758265986, gnomAD 0.006%). This variant has not been reported in the literature in individuals affected with POLE2-related conditions. ClinVar contains an entry for this variant (Variation ID: 2985765). An algorithm developed to predict the effect of missense changes on protein structure and function (PolyPhen-2) suggests that this variant is likely to be disruptive. In summary, the available evidence is currently insufficient to determine the role of this variant in disease. Therefore, it has been classified as a Variant of Uncertain Significance.